The following is an entry in ClinVar:

NM_001365951.3(KIF1B):c.694A>T (p.Asn232Tyr)

Gene: KIF1B (kinesin family member 1B; plus strand). Cytogenetic location: 1p36.22.
Variant type: single nucleotide variant.
Coding change: c.694A>T on transcript NM_001365951.3 (MANE Select); coding-DNA position 694, A replaced by T.
Protein change: p.Asn232Tyr; replaces asparagine 232 with tyrosine.
Molecular consequence: missense variant.
Genome position (GRCh38, 1-based): chr1:10,268,237, A>T. VCF-style: chr1-10268237-A-T. GRCh37 (hg19) VCF-style: chr1-10328295-A-T.
Other names: c.694A>T, p.Asn232Tyr (NM_001365952.1, NM_001365953.1, NM_015074.3 and 1 more transcripts); short protein forms N232Y.
Identifiers: ClinVar variation 3226552 (VCV003226552.1), dbSNP rs1648579725, ClinGen allele CA338330593.
Genomic context (GRCh38, chr1:10,268,237, plus strand): 5'-GAAACAAGTAGCCGTTCCCACGCTGTGTTTACGATTGTTTTCACCCAGAAGAAACACGAT[A>T]ATGAGACCAACCTTTCCACTGAGAAGGTAGGAGAGTTTCAGTCTCTAGGCTTGAGTTGTG-3'
Protein context (NP_001352880.1, residues 222-242): TIVFTQKKHD[Asn232Tyr]ETNLSTEKVS

ClinVar aggregate classification (germline): Uncertain significance (1 of 4 stars; one submission).

Submission:

Ambry Genetics
Classification: Uncertain significance. Last evaluated: 2023-09-20. Review status: criteria provided, single submitter. Criteria: Ambry Variant Classification Scheme 2023. Collection method: clinical testing. Allele origin: germline.
Comment: The p.N232Y variant (also known as c.694A>T), located in coding exon 6 of the KIF1B gene, results from an A to T substitution at nucleotide position 694. The asparagine at codon 232 is replaced by tyrosine, an amino acid with dissimilar properties. This amino acid position is conserved. In addition, this alteration is predicted to be tolerated by in silico analysis. Since supporting evidence is limited at this time, the clinical significance of this alteration remains unclear.